The following is an entry in ClinVar:

NM_007255.3(B4GALT7):c.347G>A (p.Arg116His)

Gene: B4GALT7 (beta-1,4-galactosyltransferase 7; plus strand). Cytogenetic location: 5q35.3.
Variant type: single nucleotide variant.
Coding change: c.347G>A on transcript NM_007255.3 (MANE Select); coding-DNA position 347, G replaced by A.
Protein change: p.Arg116His; replaces arginine 116 with histidine.
Molecular consequence: missense variant.
Genome position (GRCh38, 1-based): chr5:177,604,475, G>A. VCF-style: chr5-177604475-G-A. GRCh37 (hg19) VCF-style: chr5-177031476-G-A.
Other names: short protein forms R116H.
Identifiers: ClinVar variation 1952339 (VCV001952339.4), dbSNP rs2532527444, ClinGen allele CA362374069.

ClinVar aggregate classification (germline): Uncertain significance (1 of 4 stars; one submission).

gnomAD v4.1: 11 of 1,613,988 alleles (0.00068%); highest among the groups gnomAD compares: Non-Finnish European, 0.00085%; no homozygotes.

Submission:

Labcorp Genetics (formerly Invitae), Labcorp
Classification: Uncertain significance for Ehlers-Danlos syndrome progeroid type. Last evaluated: 2024-08-12. Review status: criteria provided, single submitter. Criteria: Invitae Variant Classification Sherloc (09022015). Collection method: clinical testing. Allele origin: germline.
Comment: This sequence change replaces arginine, which is basic and polar, with histidine, which is basic and polar, at codon 116 of the B4GALT7 protein (p.Arg116His). This variant is not present in population databases (gnomAD no frequency). This variant has not been reported in the literature in individuals affected with B4GALT7-related conditions. ClinVar contains an entry for this variant (Variation ID: 1952339). Advanced modeling of protein sequence and biophysical properties (such as structural, functional, and spatial information, amino acid conservation, physicochemical variation, residue mobility, and thermodynamic stability) performed at Invitae indicates that this missense variant is not expected to disrupt B4GALT7 protein function with a negative predictive value of 80%. In summary, the available evidence is currently insufficient to determine the role of this variant in disease. Therefore, it has been classified as a Variant of Uncertain Significance.